The following is an entry in ClinVar:

ClinVar aggregate classification (germline): Likely benign. Review status: criteria provided, single submitter (1 of 4 stars). 2 submissions from 2 submitters: Likely benign (1). 1 of the submissions does not count toward it. Last evaluated 2023-09-19.

Conditions:
RYR1-related disorder. Also called: RYR1-related condition; RYR1-related disorders. Identifiers: MedGen CN239331.

gnomAD v4.1: 3 of 1,611,676 alleles (0.00019%); highest among the groups gnomAD compares: African/African-American, 0.0027%; no homozygotes.

Submissions (2):

Labcorp Genetics (formerly Invitae), Labcorp
Classification: Likely benign for RYR1-related disorder. Last evaluated: 2023-09-19. Review status: criteria provided, single submitter. Criteria: Invitae Variant Classification Sherloc (09022015). Collection method: clinical testing. Allele origin: germline.

PreventionGenetics, part of Exact Sciences
Classification: Likely benign for RYR1-related condition. Last evaluated: 2020-05-01. Review status: no assertion criteria provided. Collection method: clinical testing. Allele origin: germline. Not counted in ClinVar's aggregate classification.
Comment: This variant is classified as likely benign based on ACMG/AMP sequence variant interpretation guidelines (Richards et al. 2015 PMID: 25741868, with internal and published modifications).

NM_000540.3(RYR1):c.9462T>C (p.Asp3154=)

Gene: RYR1 (ryanodine receptor 1; plus strand). Cytogenetic location: 19q13.2.
Variant type: single nucleotide variant.
Coding change: c.9462T>C on transcript NM_000540.3 (MANE Select); coding-DNA position 9462, T replaced by C.
Protein change: p.Asp3154=; no amino-acid change (aspartic acid 3154 retained).
Molecular consequence: synonymous variant.
Genome position (GRCh38, 1-based): chr19:38,512,473, T>C. VCF-style: chr19-38512473-T-C. GRCh37 (hg19) VCF-style: chr19-39003113-T-C.
Other names: c.9462T>C, p.Asp3154= (NM_001042723.2); c.9462T>C (NM_000540.2).
Identifiers: ClinVar variation 1555728 (VCV001555728.10), dbSNP rs748514443, ClinGen allele CA073601.